The following is an entry in ClinVar:

NM_002185.5(IL7R):c.832G>A (p.Asp278Asn)

Gene: IL7R (interleukin 7 receptor; plus strand). Cytogenetic location: 5p13.2.
Variant type: single nucleotide variant.
Coding change: c.832G>A on transcript NM_002185.5 (MANE Select); coding-DNA position 832, G replaced by A.
Protein change: p.Asp278Asn; replaces aspartic acid 278 with asparagine.
Molecular consequence: missense variant. On other transcripts: synonymous variant (1), non-coding transcript variant (1).
Genome position (GRCh38, 1-based): chr5:35,875,543, G>A. VCF-style: chr5-35875543-G-A. GRCh37 (hg19) VCF-style: chr5-35875645-G-A.
Other names: c.738G>A, p.Pro246= (NM_001410734.1); short protein forms D278N.
Identifiers: ClinVar variation 2065470 (VCV002065470.2), dbSNP rs201449880, ClinGen allele CA3232135.
Genomic context (GRCh38, chr5:35,875,543, plus strand): 5'-CTTCATCTATCAATGTTCTCTGATTTCAGGATTAAGCCTATCGTATGGCCCAGTCTCCCC[G>A]ATCATAAGAAGACTCTGGAACATCTTTGTAAGAAACCAAGAAAAGTGAGTGTTTTTGGTG-3'
Protein context (NP_002176.2, residues 268-288): IKPIVWPSLP[Asp278Asn]HKKTLEHLCK

ClinVar aggregate classification (germline): Uncertain significance. Review status: criteria provided, multiple submitters, no conflicts (2 of 4 stars). 2 submissions from 2 submitters: Uncertain significance (2). Last evaluated 2024-07-23.

Conditions:
Immunodeficiency 104. Also called: Severe combined immunodeficiency, autosomal recessive, T cell-negative, B cell-positive, NK cell-positive; IMMUNODEFICIENCY 104, SEVERE COMBINED; SCID, AUTOSOMAL RECESSIVE, T CELL-NEGATIVE, B CELL-POSITIVE, NK CELL-POSITIVE; Severe Combined Immune Deficiency, Autosomal Recessive, TCell -Negative, B Cell-Positive, NK Cell-Positive, IL7R-Related. Identifiers: MedGen C5676890, MONDO:0012163, OMIM 608971.

Allele frequency attached by ClinVar (database versions not stated): TOPMed 0.00005; ExAC 0.00007; gnomAD 0.00007; gnomAD exomes 0.00007; 1000 Genomes Project 30x 0.00016; 1000 Genomes Project 0.00020.
gnomAD v4.1: 111 of 1,613,502 alleles (0.0069%); highest among the groups gnomAD compares: South Asian, 0.021%; no homozygotes.

Submissions (2):

Blueprint Genetics
Classification: Uncertain significance. Last evaluated: 2024-07-23. Review status: criteria provided, single submitter. Criteria: ACMG Guidelines, 2015. Collection method: clinical testing. Allele origin: germline.

Labcorp Genetics (formerly Invitae), Labcorp
Classification: Uncertain significance for Immunodeficiency 104. Last evaluated: 2022-06-22. Review status: criteria provided, single submitter. Criteria: Invitae Variant Classification Sherloc (09022015). Collection method: clinical testing. Allele origin: germline.
Comment: This sequence change replaces aspartic acid, which is acidic and polar, with asparagine, which is neutral and polar, at codon 278 of the IL7R protein (p.Asp278Asn). This variant is present in population databases (rs201449880, gnomAD 0.03%). This variant has not been reported in the literature in individuals affected with IL7R-related conditions. Advanced modeling of protein sequence and biophysical properties (such as structural, functional, and spatial information, amino acid conservation, physicochemical variation, residue mobility, and thermodynamic stability) performed at Invitae indicates that this missense variant is expected to disrupt IL7R protein function. In summary, the available evidence is currently insufficient to determine the role of this variant in disease. Therefore, it has been classified as a Variant of Uncertain Significance.